The following is an entry in ClinVar:

ClinVar aggregate classification (germline): Uncertain significance (1 of 4 stars; one submission).

Conditions:
Cranioectodermal dysplasia 1 (CED1). Also called: LEVIN SYNDROME I. Identifiers: Orphanet 1515, MedGen C0432235, MONDO:0021093, OMIM 218330.

Submission:

Neuberg Centre For Genomic Medicine, NCGM
Classification: Uncertain significance for Cranioectodermal dysplasia 1. Review status: criteria provided, single submitter. Criteria: ACMG Guidelines, 2015. Collection method: clinical testing. Allele origin: germline. Inheritance: Autosomal recessive inheritance. Affected: yes.
Comment: The missense variant c.2015T>G (p.Met672Arg) in IFT122 gene has not been reported previously as a pathogenic variant nor as a benign variant, to our knowledge. The p.Met672Arg variant is novel (not in any individuals) in gnomAD Exomes and 1000 Genomes. The amino acid Met at position 672 is changed to a Arg changing protein sequence and it might alter its composition and physico-chemical properties. The variant is predicted to be damaging by both SIFT and PolyPhen2. The residue is conserved across species. The amino acid change p.Met672Arg in IFT122 is predicted as conserved by GERP++ and PhyloP across 100 vertebrates. For these reasons, this variant has been classified as Uncertain Significance.

NM_052989.3(IFT122):c.1862T>G (p.Met621Arg)

Gene: IFT122 (intraflagellar transport 122; plus strand). Cytogenetic location: 3q21.3.
Variant type: single nucleotide variant.
Coding change: c.1862T>G on transcript NM_052989.3 (MANE Select); coding-DNA position 1862, T replaced by G.
Protein change: p.Met621Arg; replaces methionine 621 with arginine.
Molecular consequence: missense variant.
Genome position (GRCh38, 1-based): chr3:129,488,267, T>G. VCF-style: chr3-129488267-T-G. GRCh37 (hg19) VCF-style: chr3-129207110-T-G.
Other names: c.1838T>G, p.Met613Arg (NM_001280541.2); c.1412T>G, p.Met471Arg (NM_001280545.2); c.1235T>G, p.Met412Arg (NM_001280546.2); c.1862T>G, p.Met621Arg (NM_001410808.1, NM_001410809.1); c.1685T>G, p.Met562Arg (NM_001410810.1, NM_001410811.1, NM_001410813.1 and 1 more transcripts); c.1529T>G, p.Met510Arg (NM_001410815.1, NM_001410817.1, NM_052990.3); c.2015T>G, p.Met672Arg (NM_052985.4); short protein forms M471R, M510R, M562R, M672R, M412R, M613R, M621R.
Identifiers: ClinVar variation 2585453 (VCV002585453.1), dbSNP rs2532063467, ClinGen allele CA354478144.
Genomic context (GRCh38, chr3:129,488,267, plus strand): 5'-CCATGGCTCTGAAAACAGTCTTCTTTTTTTCCCTTGATGAAATCCTGCAGTCCGCTCCCA[T>G]GTACCAGTACCTGGATAGGAAACTGTTCAAGGAAGCCTACCAGATTGCTTGCTTGGGTGT-3'
Protein context (NP_443715.1, residues 611-631): SAVEVPQSAP[Met621Arg]YQYLDRKLFK